The following is an entry in ClinVar:

ClinVar aggregate classification (germline): Uncertain significance (1 of 4 stars; one submission).

Conditions:
Pyridoxine-dependent epilepsy (EPEO4). Also called: Pyridoxine-Dependent Epilepsy - ALDH7A1; EPILEPSY, EARLY-ONSET, 4, VITAMIN B6-DEPENDENT; PYRIDOXINE DEPENDENCY WITH SEIZURES; Pyridoxine-Dependent Seizures. Identifiers: Orphanet 3006, MedGen C1849508, MONDO:0009945, OMIM 266100. Disease mechanism: loss of function.

Submission:

Labcorp Genetics (formerly Invitae), Labcorp
Classification: Uncertain significance for Pyridoxine-dependent epilepsy. Last evaluated: 2022-08-09. Review status: criteria provided, single submitter. Criteria: Invitae Variant Classification Sherloc (09022015). Collection method: clinical testing. Allele origin: germline.
Comment: This sequence change creates a premature translational stop signal (p.Ala7Hisfs*36) in the ALDH7A1 gene. However, it is currently unclear if variants that occur in this region of the gene cause disease. This variant is not present in population databases (gnomAD no frequency). This variant has not been reported in the literature in individuals affected with ALDH7A1-related conditions. ClinVar contains an entry for this variant (Variation ID: 857207). Experimental studies and prediction algorithms are not available or were not evaluated, and the functional significance of this variant is currently unknown. In summary, the available evidence is currently insufficient to determine the role of this variant in disease. Therefore, it has been classified as a Variant of Uncertain Significance.

NM_001182.5(ALDH7A1):c.19_32delinsCACATACTGAGCC (p.Ala7fs)

Gene: ALDH7A1 (aldehyde dehydrogenase 7 family member A1; minus strand). Cytogenetic location: 5q23.2.
Variant type: Indel.
Coding change: c.19_32delinsCACATACTGAGCC on transcript NM_001182.5 (MANE Select); coding-DNA positions 19 to 32, GCGCTGTGTGTGCA replaced by CACATACTGAGCC.
Protein change: p.Ala7fs; shifts the reading frame from alanine 7.
Molecular consequence: frameshift variant. On other transcripts: 5 prime UTR variant (1).
Genome position (GRCh38, 1-based): chr5:126,595,167-126,595,180, TGCACACACAGCGC replaced by GGCTCAGTATGTG on the plus strand (GCGCTGTGTGTGCA replaced by CACATACTGAGCC on the coding strand, the reverse complement: ALDH7A1 is on the minus strand). VCF-style: chr5-126595167-TGCACACACAGCGC-GGCTCAGTATGTG. GRCh37 (hg19) VCF-style: chr5-125930859-TGCACACACAGCGC-GGCTCAGTATGTG.
Other names: c.-66_-53delinsCACATACTGAGCC (NM_001201377.2); c.19_32delinsCACATACTGAGCC, p.Ala7fs (NM_001202404.2); short protein forms A7fs.
Identifiers: ClinVar variation 857207 (VCV000857207.6), dbSNP rs1751705211, ClinGen allele CA916082755.